The following is an entry in ClinVar:

ClinVar aggregate classification (germline): Conflicting classifications of pathogenicity. Review status: criteria provided, conflicting classifications (1 of 4 stars). 3 submissions from 3 submitters: Uncertain significance (2); Likely benign (1). Last evaluated 2024-05-15.

Conditions:
Cone-rod dystrophy 20 (CORD20). Identifiers: Orphanet 1872, MedGen C4014856, MONDO:0014427, OMIM 615973.

Allele frequency attached by ClinVar (database versions not stated): gnomAD below 0.00001 and 0.00001; TOPMed 0.00001; gnomAD exomes 0.00005 and 0.00008; ExAC 0.00007.
gnomAD v4.1: 68 of 1,613,994 alleles (0.0042%); highest among the groups gnomAD compares: South Asian, 0.074%; no homozygotes.

Submissions (3):

Fulgent Genetics
Classification: Uncertain significance for Cone-rod dystrophy 20. Last evaluated: 2024-05-15. Review status: criteria provided, single submitter. Criteria: ACMG Guidelines, 2015. Collection method: clinical testing. Allele origin: germline.

Blueprint Genetics
Classification: Likely benign. Last evaluated: 2024-03-14. Review status: criteria provided, single submitter. Criteria: ACMG Guidelines, 2015. Collection method: clinical testing. Allele origin: germline.

Labcorp Genetics (formerly Invitae), Labcorp
Classification: Uncertain significance. Last evaluated: 2022-07-30. Review status: criteria provided, single submitter. Criteria: Invitae Variant Classification Sherloc (09022015). Collection method: clinical testing. Allele origin: germline.
Comment: This sequence change replaces methionine, which is neutral and non-polar, with isoleucine, which is neutral and non-polar, at codon 413 of the POC1B protein (p.Met413Ile). This variant is present in population databases (rs747299500, gnomAD 0.07%). This variant has not been reported in the literature in individuals affected with POC1B-related conditions. ClinVar contains an entry for this variant (Variation ID: 1009822). Algorithms developed to predict the effect of missense changes on protein structure and function (SIFT, PolyPhen-2, Align-GVGD) all suggest that this variant is likely to be tolerated. In summary, the available evidence is currently insufficient to determine the role of this variant in disease. Therefore, it has been classified as a Variant of Uncertain Significance.

NM_172240.3(POC1B):c.1239G>A (p.Met413Ile)

Genes: POC1B (POC1 centriolar protein B; minus strand), POC1B-DUSP6 (POC1B-DUSP6 readthrough; minus strand). Cytogenetic location: 12q21.33.
Variant type: single nucleotide variant.
Coding change: c.1239G>A on transcript NM_172240.3 (MANE Select); coding-DNA position 1239, G replaced by A.
Protein change: p.Met413Ile; replaces methionine 413 with isoleucine.
Molecular consequence: missense variant. On other transcripts: non-coding transcript variant (2).
Genome position (GRCh38, 1-based): chr12:89,425,254, C>T on the plus strand (G>A on the coding strand, the complement: POC1B is on the minus strand). VCF-style: chr12-89425254-C-T. GRCh37 (hg19) VCF-style: chr12-89819031-C-T.
Other names: c.1113G>A, p.Met371Ile (NM_001199777.2); short protein forms M371I, M413I.
Identifiers: ClinVar variation 1009822 (VCV001009822.8), dbSNP rs747299500, ClinGen allele CA6714225.